The following is an entry in ClinVar:

ClinVar aggregate classification (germline): Uncertain significance. Review status: criteria provided, multiple submitters, no conflicts (2 of 4 stars). 2 submissions from 2 submitters: Uncertain significance (2). Last evaluated 2021-07-24.

Conditions:
Hereditary cancer-predisposing syndrome. Also called: Hereditary neoplastic syndrome; Hereditary Cancer Syndrome; Neoplastic Syndromes, Hereditary; Tumor predisposition. Identifiers: Orphanet 140162, MedGen C0027672, MeSH D009386, MONDO:0015356.
Fanconi anemia complementation group J. Also called: BRIP1-Related Fanconi Anemia. Identifiers: Orphanet 84, MedGen C1836860, MONDO:0012187, OMIM 609054.
Familial cancer of breast. Also called: Hereditary breast cancer; BREAST CANCER, FAMILIAL; hereditary breast carcinoma. Identifiers: Orphanet 227535, MedGen C0346153, MONDO:0016419, OMIM 114480. Disease mechanism: loss of function.

Submissions (2):

Ambry Genetics
Classification: Uncertain significance for Hereditary cancer-predisposing syndrome. Last evaluated: 2021-07-24. Review status: criteria provided, single submitter. Criteria: Ambry Variant Classification Scheme 2023. Collection method: clinical testing. Allele origin: germline.
Comment: The p.N101D variant (also known as c.301A>G), located in coding exon 3 of the BRIP1 gene, results from an A to G substitution at nucleotide position 301. The asparagine at codon 101 is replaced by aspartic acid, an amino acid with highly similar properties. This amino acid position is conserved. In addition, this alteration is predicted to be tolerated by in silico analysis. Since supporting evidence is limited at this time, the clinical significance of this alteration remains unclear.

Labcorp Genetics (formerly Invitae), Labcorp
Classification: Uncertain significance for Familial cancer of breast; Fanconi anemia complementation group J. Last evaluated: 2021-07-13. Review status: criteria provided, single submitter. Criteria: Invitae Variant Classification Sherloc (09022015). Collection method: clinical testing. Allele origin: germline.
Comment: In summary, the available evidence is currently insufficient to determine the role of this variant in disease. Therefore, it has been classified as a Variant of Uncertain Significance. Algorithms developed to predict the effect of missense changes on protein structure and function output the following: SIFT: "Tolerated"; PolyPhen-2: "Benign"; Align-GVGD: "Class C0". The aspartic acid amino acid residue is found in multiple mammalian species, suggesting that this missense change does not adversely affect protein function. These predictions have not been confirmed by published functional studies and their clinical significance is uncertain. This variant has not been reported in the literature in individuals with BRIP1-related conditions. This sequence change replaces asparagine with aspartic acid at codon 101 of the BRIP1 protein (p.Asn101Asp). The asparagine residue is moderately conserved and there is a small physicochemical difference between asparagine and aspartic acid. This variant is not present in population databases (ExAC no frequency).

NM_032043.3(BRIP1):c.301A>G (p.Asn101Asp)

Gene: BRIP1 (BRCA1 interacting DNA helicase 1; minus strand). Cytogenetic location: 17q23.2.
Variant type: single nucleotide variant.
Coding change: c.301A>G on transcript NM_032043.3 (MANE Select); coding-DNA position 301, A replaced by G.
Protein change: p.Asn101Asp; replaces asparagine 101 with aspartic acid.
Molecular consequence: missense variant.
Genome position (GRCh38, 1-based): chr17:61,857,136, T>C on the plus strand (A>G on the coding strand, the complement: BRIP1 is on the minus strand). VCF-style: chr17-61857136-T-C. GRCh37 (hg19) VCF-style: chr17-59934497-T-C.
Other names: short protein forms N101D.
Identifiers: ClinVar variation 1368368 (VCV001368368.11), dbSNP rs2145828545, ClinGen allele CA400485417.
Genomic context (GRCh38, chr17:61,857,136, plus strand): 5'-TGCCATTTCTTTCAGAAGGTGGTGTGCTTGGATAGTTGAAATGACGTGAAGTTCCTTGGT[T>C]CATGTCATTGTTTGTAAAATCCTTTGAATGGCATGCACAACAACATGACAATTGTACTTC-3'
Protein context (NP_114432.2, residues 91-111): HSKDFTNNDM[Asn101Asp]QGTSRHFNYP